The following is an entry in ClinVar:

NM_001136271.3(NKX2-6):c.226C>T (p.Pro76Ser)

Gene: NKX2-6 (NK2 homeobox 6; minus strand). Cytogenetic location: 8p21.2.
Variant type: single nucleotide variant.
Coding change: c.226C>T on transcript NM_001136271.3 (MANE Select); coding-DNA position 226, C replaced by T.
Protein change: p.Pro76Ser; replaces proline 76 with serine.
Molecular consequence: missense variant.
Genome position (GRCh38, 1-based): chr8:23,706,373, G>A on the plus strand (C>T on the coding strand, the complement: NKX2-6 is on the minus strand). VCF-style: chr8-23706373-G-A. GRCh37 (hg19) VCF-style: chr8-23563886-G-A.
Other names: short protein forms P76S.
Identifiers: ClinVar variation 2161539 (VCV002161539.4), dbSNP rs1195067755, ClinGen allele CA370603445.

ClinVar aggregate classification (germline): Uncertain significance (1 of 4 stars; one submission).

Conditions:
Conotruncal heart malformations (CTHM). Also called: Conotruncal heart malformations, variable. Identifiers: Orphanet 2445, Orphanet 3384, Orphanet 3426, MedGen C1857586, MONDO:0016581, OMIM 217095.

Allele frequency attached by ClinVar (database versions not stated): gnomAD 0.00001.

Submission:

Labcorp Genetics (formerly Invitae), Labcorp
Classification: Uncertain significance for Conotruncal heart malformations. Last evaluated: 2022-03-11. Review status: criteria provided, single submitter. Criteria: Invitae Variant Classification Sherloc (09022015). Collection method: clinical testing. Allele origin: germline.
Comment: In summary, the available evidence is currently insufficient to determine the role of this variant in disease. Therefore, it has been classified as a Variant of Uncertain Significance. Algorithms developed to predict the effect of missense changes on protein structure and function output the following: SIFT: "Tolerated"; PolyPhen-2: "Benign"; Align-GVGD: "Class C0". The serine amino acid residue is found in multiple mammalian species, which suggests that this missense change does not adversely affect protein function. This variant has not been reported in the literature in individuals affected with NKX2-6-related conditions. This variant is present in population databases (no rsID available, gnomAD 0.002%). This sequence change replaces proline, which is neutral and non-polar, with serine, which is neutral and polar, at codon 76 of the NKX2-6 protein (p.Pro76Ser).